The following is an entry in ClinVar:

ClinVar aggregate classification (germline): Benign. Review status: criteria provided, multiple submitters, no conflicts (2 of 4 stars). 2 submissions from 2 submitters: Benign (2). Last evaluated 2021-08-09.

Conditions:
Hypophosphatemic rickets, autosomal recessive, 2 (ARHR2). Identifiers: Orphanet 289176, MedGen C2750078, MONDO:0013219, OMIM 613312.
Obesity. Also called: Obesity disorder. Identifiers: Orphanet 71529, MedGen C0028754, MeSH D009765, MONDO:0011122, HP:0001513.
Arterial calcification, generalized, of infancy, 1 (GACI1). Also called: Idiopathic Infantile Arterial Calcification. Identifiers: Orphanet 51608, MedGen C4551985, MONDO:0008817, OMIM 208000.
Type 2 diabetes mellitus. Also called: Type II diabetes mellitus. Identifiers: MedGen C0011860, MeSH D003924, MONDO:0005148, OMIM 125853, HP:0005978.
Hypopigmentation-punctate palmoplantar keratoderma syndrome. Also called: GUTTATE HYPOPIGMENTATION AND PUNCTATE PALMOPLANTAR KERATODERMA WITH OR WITHOUT ECTOPIC CALCIFICATION; Cole disease. Identifiers: Orphanet 324561, MedGen C3809781, MONDO:0014227, OMIM 615522.

Allele frequency attached by ClinVar (database versions not stated): gnomAD 0.00152 and 0.00163; gnomAD exomes 0.00227 and 0.00540; ExAC 0.00628.

Submissions (2):

Fulgent Genetics
Classification: Benign for Type 2 diabetes mellitus; Arterial calcification, generalized, of infancy, 1; Inherited obesity; Hypophosphatemic rickets, autosomal recessive, 2; Hypopigmentation-punctate palmoplantar keratoderma syndrome. Last evaluated: 2021-08-09. Review status: criteria provided, single submitter. Criteria: ACMG Guidelines, 2015. Collection method: clinical testing. Allele origin: unknown.

Centre for Mendelian Genomics, University Medical Centre Ljubljana
Classification: Benign for Hypophosphatemic rickets, autosomal recessive, 2. Last evaluated: 2019-01-30. Review status: criteria provided, single submitter. Criteria: ACMG Guidelines, 2015. Collection method: clinical testing. Allele origin: unknown. Affected: yes.
Comment: This variant was classified as: Benign. The following ACMG criteria were applied in classifying this variant: BS1,BS2.

NM_006208.3(ENPP1):c.313+11_313+15del

Gene: ENPP1 (ectonucleotide pyrophosphatase/phosphodiesterase 1; plus strand). Cytogenetic location: 6q23.2.
Variant type: Deletion.
Coding change: c.313+11_313+15del on transcript NM_006208.3 (MANE Select); bases 11 to 15 of the intron after coding-DNA position 313, 5 bases deleted (GTGTG; older notation c.313+11_313+15delGTGTG).
Molecular consequence: intron variant.
Genome position (GRCh38, 1-based): chr6:131,847,859-131,847,863, GTGTG deleted. VCF-style (leftmost placement, unchanged base first): chr6-131847858-TGTGTG-T. GRCh37 (hg19) VCF-style: chr6-132168998-TGTGTG-T.
Identifiers: ClinVar variation 930370 (VCV000930370.4), dbSNP rs771304080, ClinGen allele CA4001836.